The following is an entry in ClinVar:

ClinVar aggregate classification (germline): Conflicting classifications of pathogenicity. Review status: criteria provided, conflicting classifications (1 of 4 stars). 3 submissions from 3 submitters: Uncertain significance (1); Benign (1); Likely benign (1). Last evaluated 2025-11-26.

Conditions:
Hereditary cancer-predisposing syndrome. Also called: Hereditary neoplastic syndrome; Hereditary Cancer Syndrome; Tumor predisposition; Neoplastic Syndromes, Hereditary. Identifiers: Orphanet 140162, MedGen C0027672, MeSH D009386, MONDO:0015356.
Tuberous sclerosis 2 (TSC2). Identifiers: Orphanet 805, MedGen C1860707, MONDO:0013199, OMIM 613254.

Allele frequency attached by ClinVar (database versions not stated): gnomAD exomes below 0.00001 and 0.00001; ExAC 0.00001; gnomAD 0.00001; 1000 Genomes Project 0.00020; 1000 Genomes Project 30x 0.00031.
gnomAD v4.1: 2 of 1,613,128 alleles (0.00012%); highest among the groups gnomAD compares: East Asian, 0.0045%; no homozygotes.

Submissions (3):

Ambry Genetics
Classification: Uncertain significance for Hereditary cancer-predisposing syndrome. Last evaluated: 2025-11-26. Review status: criteria provided, single submitter. Criteria: Ambry Variant Classification Scheme 2023. Collection method: clinical testing. Allele origin: germline.
Comment: The p.L957W variant (also known as c.2870T>G), located in coding exon 25 of the TSC2 gene, results from a T to G substitution at nucleotide position 2870. The leucine at codon 957 is replaced by tryptophan, an amino acid with similar properties. This amino acid position is conserved. In addition, the in silico prediction for this alteration is inconclusive. Based on the available evidence, the clinical significance of this variant remains unclear.

Labcorp Genetics (formerly Invitae), Labcorp
Classification: Benign for Tuberous sclerosis 2. Last evaluated: 2025-06-22. Review status: criteria provided, single submitter. Criteria: Invitae Variant Classification Sherloc (09022015). Collection method: clinical testing. Allele origin: germline.

Myriad Genetics, Inc.
Classification: Likely benign for Tuberous sclerosis 2. Last evaluated: 2025-05-27. Review status: criteria provided, single submitter. Criteria: Myriad Autosomal Dominant, Autosomal Recessive and X-Linked Classification Criteria (2023). Collection method: clinical testing. Allele origin: unknown.
Comment: This variant is considered likely benign. This variant has been observed at a population frequency that is significantly greater than expected given the associated disease prevalence and penetrance.

NM_000548.5(TSC2):c.2870T>G (p.Leu957Trp)

Gene: TSC2 (TSC complex subunit 2; plus strand). Cytogenetic location: 16p13.3.
Variant type: single nucleotide variant.
Coding change: c.2870T>G on transcript NM_000548.5 (MANE Select); coding-DNA position 2870, T replaced by G.
Protein change: p.Leu957Trp; replaces leucine 957 with tryptophan.
Molecular consequence: missense variant. On other transcripts: intron variant (9).
Genome position (GRCh38, 1-based): chr16:2,077,630, T>G. VCF-style: chr16-2077630-T-G. GRCh37 (hg19) VCF-style: chr16-2127631-T-G.
Other names: c.2870T>G, p.Leu957Trp (NM_001114382.3); c.2837+1045T>G (NM_021055.3, NM_001370405.1, NM_001363528.2 and 2 more transcripts); c.2726+1045T>G (NM_001318827.2); c.2237+1045T>G (NM_001318831.2); c.2690+1045T>G (NM_001318829.2); c.2870+1045T>G (NM_001318832.2); short protein forms L957W.
Identifiers: ClinVar variation 966695 (VCV000966695.12), dbSNP rs200030367, ClinGen allele CA042506.
Genomic context (GRCh38, chr16:2,077,630, plus strand): 5'-GCGTTGGGGCTCCTTCCTCACCCGATAGTCTGAGGATAGCCAGACCCCCCAAACAAGGCT[T>G]GAATAACTCTCCACCCGTGAAAGAATTCAAGGAGAGCTCTGCAGCCGAGGCCTTCCGGTG-3'
Protein context (NP_000539.2, residues 947-967): LRIARPPKQG[Leu957Trp]NNSPPVKEFK